The following is an entry in ClinVar:

ClinVar aggregate classification (germline): Uncertain significance. Review status: criteria provided, multiple submitters, no conflicts (2 of 4 stars). 3 submissions from 3 submitters: Uncertain significance (3). Last evaluated 2024-12-01.

Allele frequency attached by ClinVar (database versions not stated): gnomAD exomes below 0.00001; TOPMed below 0.00001; 1000 Genomes Project 30x 0.00016.
gnomAD v4.1: 2 of 1,142,140 alleles (0.00018%); highest among the groups gnomAD compares: African/African-American, 0.0033%; no homozygotes.

Submissions (3):

Ambry Genetics
Classification: Uncertain significance. Last evaluated: 2024-12-01. Review status: criteria provided, single submitter. Criteria: Ambry Variant Classification Scheme 2023. Collection method: clinical testing. Allele origin: germline.
Comment: The p.A29E variant (also known as c.86C>A), located in coding exon 1 of the GALNT12 gene, results from a C to A substitution at nucleotide position 86. The alanine at codon 29 is replaced by glutamic acid, an amino acid with dissimilar properties. This amino acid position is highly conserved in available vertebrate species. In addition, this alteration is predicted to be tolerated by in silico analysis. Since supporting evidence is limited at this time, the clinical significance of this alteration remains unclear.

Quest Diagnostics Nichols Institute San Juan Capistrano
Classification: Uncertain significance. Last evaluated: 2024-08-09. Review status: criteria provided, single submitter. Criteria: Quest Diagnostics criteria. Collection method: clinical testing. Allele origin: unknown.
Comment: The GALNT12 c.86C>A (p.Ala29Glu) variant has not been reported in individuals with GALNT12-related conditions in the published literature. It also has not been reported in large, multi-ethnic general populations (Genome Aggregation Database). Analysis of this variant using bioinformatics tools for the prediction of the effect of amino acid changes on protein structure and function yielded predictions that this variant is benign. Based on the available information, we are unable to determine the clinical significance of this variant.

Labcorp Genetics (formerly Invitae), Labcorp
Classification: Uncertain significance. Last evaluated: 2022-09-30. Review status: criteria provided, single submitter. Criteria: Invitae Variant Classification Sherloc (09022015). Collection method: clinical testing. Allele origin: germline.
Comment: This variant is not present in population databases (gnomAD no frequency). This sequence change replaces alanine, which is neutral and non-polar, with glutamic acid, which is acidic and polar, at codon 29 of the GALNT12 protein (p.Ala29Glu). This variant has not been reported in the literature in individuals affected with GALNT12-related conditions. In summary, the available evidence is currently insufficient to determine the role of this variant in disease. Therefore, it has been classified as a Variant of Uncertain Significance. Algorithms developed to predict the effect of missense changes on protein structure and function are either unavailable or do not agree on the potential impact of this missense change (SIFT: "Deleterious"; PolyPhen-2: "Benign"; Align-GVGD: "Class C0"). ClinVar contains an entry for this variant (Variation ID: 1352582).

NM_024642.5(GALNT12):c.86C>A (p.Ala29Glu)

Genes: GALNT12 (polypeptide N-acetylgalactosaminyltransferase 12; plus strand), LOC130002222 (ATAC-STARR-seq lymphoblastoid silent region 20123; plus strand). Cytogenetic location: 9q22.33.
Variant type: single nucleotide variant.
Coding change: c.86C>A on transcript NM_024642.5 (MANE Select); coding-DNA position 86, C replaced by A.
Protein change: p.Ala29Glu; replaces alanine 29 with glutamic acid.
Molecular consequence: missense variant.
Genome position (GRCh38, 1-based): chr9:98,807,784, C>A. VCF-style: chr9-98807784-C-A. GRCh37 (hg19) VCF-style: chr9-101570066-C-A.
Other names: short protein forms A29E.
Identifiers: ClinVar variation 1352582 (VCV001352582.11), dbSNP rs1310082193, ClinGen allele CA374222223.
Genomic context (GRCh38, chr9:98,807,784, plus strand): 5'-GCTGCCCGCGGGAACTGCGGCGCGGCCGGGAGGCGCTGTTGGTGCTCCTGGCGCTACTGG[C>A]GTTGGCCGGGCTGGGCTCGGTGCTGCGGGCGCAGCGTGGGGCCGGGGCCGGGGCTGCCGA-3'
Protein context (NP_078918.3, residues 19-39): EALLVLLALL[Ala29Glu]LAGLGSVLRA